The following is an entry in ClinVar:

ClinVar aggregate classification (germline): Uncertain significance (1 of 4 stars; one submission).

Submission:

GeneDx
Classification: Uncertain significance. Last evaluated: 2025-04-14. Review status: criteria provided, single submitter. Criteria: GeneDx Variant Classification Process June 2021. Collection method: clinical testing. Allele origin: germline. Affected: yes.
Comment: Not observed at significant frequency in large population cohorts (gnomAD); In-frame deletion of 1 amino acid(s) in a non-repeat region; In silico analysis supports a deleterious effect on protein structure/function; Has not been previously published as pathogenic or benign to our knowledge

NM_145166.4(ZBTB47):c.2038_2040del (p.Glu680del)

Gene: ZBTB47 (zinc finger and BTB domain containing 47; plus strand). Cytogenetic location: 3p22.1.
Variant type: Deletion.
Coding change: c.2038_2040del on transcript NM_145166.4 (MANE Select); coding-DNA positions 2038 to 2040, 3 bases deleted (GAG; older notation c.2038_2040delGAG).
Protein change: p.Glu680del; deletes glutamic acid 680.
Molecular consequence: inframe deletion.
Genome position (GRCh38, 1-based): chr3:42,664,392-42,664,394, GAG deleted; deleting any 3 consecutive bases within chr3:42,664,390-42,664,394 gives the same sequence; the c. name uses the placement nearest the transcript's 3' end. VCF-style (leftmost placement, unchanged base first): chr3-42664389-AAGG-A. GRCh37 (hg19) VCF-style: chr3-42705881-AAGG-A.
Other names: c.2122_2124del, p.Glu708del (NM_001410746.1); short protein forms E680del, E708del.
Identifiers: ClinVar variation 4282083 (VCV004282083.1).
Genomic context (GRCh38, chr3:42,664,389, plus strand): 5'-CCGTACCCGTGCGACGTGTGTGGCCAGCGCTTCCGCTTCTCCAACATGCTCAAGGCCCAC[AAGG>A]AGAAGTGCTTCCGCGTCAGCCACACCCTGGCCGGCGACGGCGTCCCCGCTGCCCCAGGCC-3'